The following is an entry in ClinVar:

ClinVar aggregate classification (germline): Pathogenic/Likely pathogenic. Review status: criteria provided, multiple submitters, no conflicts (2 of 4 stars). 7 submissions from 7 submitters: Pathogenic (5); Likely pathogenic (1). 1 of the submissions does not count toward it. Last evaluated 2025-05-30.

Conditions:
HBB-related disorder. Also called: HBB-related disorders; HBB-related condition. Identifiers: MedGen CN239378.
Hemoglobinopathy. Also called: Hemoglobin disorder; Haemoglobinopathies. Identifiers: MedGen C0019045, MONDO:0044348.
beta Thalassemia (BTHAL). Also called: Cooley's anemia; Erythroblastic anemia; Mediterranean anemia. Identifiers: Orphanet 848, MedGen C0005283, MONDO:0019402. Disease mechanism: loss of function.

Submissions (7):

Natera, Inc.
Classification: Likely pathogenic for Beta thalassemia. Last evaluated: 2025-05-30. Review status: criteria provided, single submitter. Criteria: Natera Variant Classification Schema (03/2026). Collection method: clinical testing. Allele origin: germline.
Comment: The c.155delC variant in HBB is a frameshift variant predicted to shift the reading frame beginning at codon 52 and leads to a stop codon 10 codons downstream. This variant may result in a truncated or dysfunctional protein product. This variant is rare in the general population with a frequency below the threshold expected for the associated phenotype(s). Given the available evidence, this variant is classified as Likely Pathogenic.

Blueprint Genetics
Classification: Pathogenic for HBB-related disorders. Last evaluated: 2024-10-28. Review status: criteria provided, single submitter. Criteria: ACMG Guidelines, 2015. Collection method: clinical testing. Allele origin: germline. Affected: yes. Observed: 4 variant alleles.

ARUP Laboratories, Molecular Genetics and Genomics, ARUP Laboratories
Classification: Pathogenic. Last evaluated: 2024-08-06. Review status: criteria provided, single submitter. Criteria: ARUP Molecular Germline Variant Investigation Process 2024. Collection method: clinical testing. Allele origin: germline.
Comment: The HBB c.155del; p.Pro52LeufsTer10 variant (also known as Codon 51 (-C) or Pro51fs when numbered from the mature protein, rs63750128, HbVar ID: 858) has been reported in at least one individual presenting with hematological data consistent with beta zero-thalassemia heterozygosity (Ringelhann 1993). This variant is reported in ClinVar (Variation ID: 38659) and is absent from the Genome Aggregation Database, indicating it is not a common polymorphism. This variant creates a frameshift by deleting a single nucleotide, so it is predicted to result in a truncated protein or mRNA subject to nonsense-mediated decay. Based on available information, this variant is considered to be pathogenic. References: Link to HbVar: Ringelhann B et al. Molecular characterization of beta-thalassemia in Hungary. Hum Genet. 1993 Oct;92(4):385-7. PMID: 8225319

Quest Diagnostics Nichols Institute San Juan Capistrano
Classification: Pathogenic. Last evaluated: 2024-04-02. Review status: criteria provided, single submitter. Criteria: Quest Diagnostics criteria. Collection method: clinical testing. Allele origin: unknown.
Comment: The HBB c.155del (p.Pro52Leufs*10) variant alters the translational reading frame of the HBB mRNA and causes the premature termination of HBB protein synthesis. This variant has been reported in the published literature to be associated with beta(0)-thalassemia (PMID: 8225319 (1993)). This variant has not been reported in large, multi-ethnic general populations (Genome Aggregation Database). Based on the available information, this variant is classified as pathogenic.

Women's Health and Genetics/Laboratory Corporation of America, LabCorp
Classification: Pathogenic for Hemoglobinopathy. Last evaluated: 2024-02-20. Review status: criteria provided, single submitter. Criteria: LabCorp Variant Classification Summary - May 2015. Collection method: clinical testing. Allele origin: germline.
Comment: Variant summary: HBB c.155delC (p.Pro52LeufsX10) results in a premature termination codon, predicted to cause a truncation of the encoded protein or absence of the protein. Variants downstream of this position have been classified pathogenic internally. The variant was absent in 251440 control chromosomes (gnomAD). c.155delC has been reported in the literature in one individual who had the characteristics of beta0-thal heterozygote (Ringelhann_1993). The variant, also known as CD 51 (-C), is reported in hemoglobinopathy databases as a causative mutation associated with beta0-thalassemia (HbVar, Ithanet). The following publication has been ascertained in the context of this evaluation (PMID: 8225319). ClinVar contains an entry for this variant (Variation ID: 38659). Based on the evidence outlined above, the variant was classified as pathogenic.

Clinical Genetics and Genomics, Karolinska University Hospital
Classification: Pathogenic. Last evaluated: 2020-02-21. Review status: criteria provided, single submitter. Criteria: ACMG Guidelines, 2015. Collection method: clinical testing. Allele origin: germline. Affected: yes. Observed: 1 variant allele.

The ITHANET community portal, The Cyprus Institute of Neurology and Genetics
Classification: Pathogenic for beta Thalassemia. Last evaluated: 2019-11-25. Review status: no assertion criteria provided. Collection method: curation. Allele origin: germline. Not counted in ClinVar's aggregate classification.

Literature cited by the submitters: PubMed 8225319 (cited by 3 submitters); PubMed 27535164 (cited by Quest Diagnostics Nichols Institute San Juan Capistrano).

NM_000518.5(HBB):c.155del (p.Pro52fs)

Genes: HBB (hemoglobin subunit beta; minus strand), LOC106099062 (HBB recombination region; plus strand), LOC107133510 (origin of replication at HBB; plus strand). Cytogenetic location: 11p15.4.
Variant type: Deletion.
Coding change: c.155del on transcript NM_000518.5 (MANE Select); coding-DNA position 155, one base deleted (C; older notation c.155delC).
Protein change: p.Pro52fs; shifts the reading frame from proline 52.
Molecular consequence: frameshift variant.
Genome position (GRCh38, 1-based): chr11:5,226,737, G deleted on the plus strand (C on the coding strand, the reverse complement: HBB is on the minus strand); the first of 2 consecutive G bases (chr11:5,226,737-5,226,738); deleting either gives the same sequence. VCF-style (leftmost placement, unchanged base first): chr11-5226736-AG-A. GRCh37 (hg19) VCF-style: chr11-5247966-AG-A.
Other names: CD 51 (-C); c.155delC (NM_000518.4, NM_000518.5); c.155del (NM_000518.4); short protein forms P52fs.
Identifiers: ClinVar variation 38659 (VCV000038659.116), dbSNP rs63750128, ClinGen allele CA217114327.